The following is an entry in ClinVar:

NM_021098.3(CACNA1H):c.6551AGA[2] (p.Lys2186del)

Gene: CACNA1H (calcium voltage-gated channel subunit alpha1 H; plus strand). Cytogenetic location: 16p13.3.
Variant type: Microsatellite.
Coding change: c.6551AGA[2] on transcript NM_021098.3 (MANE Select); two copies in a row of the 3-base unit AGA starting at c.6551; the reference has three copies in a row; one copy, 3 bases deleted; also written c.6557_6559del.
Protein change: p.Lys2186del; deletes lysine 2186.
Molecular consequence: inframe deletion.
Genome position (GRCh38, 1-based): chr16:1,220,489-1,220,491, AGA deleted; deleting any 3 consecutive bases within chr16:1,220,482-1,220,491 gives the same sequence; the position shown is the placement nearest the transcript's 3' end. VCF-style (leftmost placement, unchanged base first): chr16-1220481-AAAG-A. GRCh37 (hg19) VCF-style: chr16-1270481-AAAG-A.
Other names: c.6533AGA[2], p.Lys2180del (NM_001005407.2); c.6557_6559del (NM_021098.3); short protein forms K2186del, K2180del.
Identifiers: ClinVar variation 565713 (VCV000565713.12), dbSNP rs766893201, ClinGen allele CA7802410.

ClinVar aggregate classification (germline): Uncertain significance. Review status: criteria provided, multiple submitters, no conflicts (2 of 4 stars). 2 submissions from 2 submitters: Uncertain significance (2). Last evaluated 2025-06-12.

Conditions:
Hyperaldosteronism, familial, type IV (HALD4). Also called: FH IV; ALDOSTERONISM, PRIMARY, AND HYPERTENSION. Identifiers: Orphanet 642671, MedGen C4310756, MONDO:0014875, OMIM 617027.
Idiopathic generalized epilepsy. Also called: Generalised epilepsy; EIG. Identifiers: MedGen C0270850, MONDO:0005579, OMIM 600669.
Epilepsy, childhood absence, susceptibility to, 6. Identifiers: Orphanet 64280, MedGen C2749872, MONDO:0012763, OMIM 611942.

Submissions (2):

Labcorp Genetics (formerly Invitae), Labcorp
Classification: Uncertain significance for Idiopathic generalized epilepsy; Hyperaldosteronism, familial, type IV. Last evaluated: 2025-06-12. Review status: criteria provided, single submitter. Criteria: Invitae Variant Classification Sherloc (09022015). Collection method: clinical testing. Allele origin: germline.
Comment: This variant, c.6557_6559del, results in the deletion of 1 amino acid(s) of the CACNA1H protein (p.Lys2186del), but otherwise preserves the integrity of the reading frame. This variant is present in population databases (rs766893201, gnomAD 0.02%). This variant has not been reported in the literature in individuals affected with CACNA1H-related conditions. Experimental studies and prediction algorithms are not available or were not evaluated, and the functional significance of this variant is currently unknown. In summary, the available evidence is currently insufficient to determine the role of this variant in disease. Therefore, it has been classified as a Variant of Uncertain Significance.

Fulgent Genetics
Classification: Uncertain significance for Epilepsy, childhood absence, susceptibility to, 6; Hyperaldosteronism, familial, type IV. Last evaluated: 2024-03-29. Review status: criteria provided, single submitter. Criteria: ACMG Guidelines, 2015. Collection method: clinical testing. Allele origin: germline.